The following is an entry in ClinVar:

ClinVar aggregate classification (germline): Uncertain significance. Review status: criteria provided, multiple submitters, no conflicts (2 of 4 stars). 2 submissions from 2 submitters: Uncertain significance (2). Last evaluated 2024-10-03.

Conditions:
Cystinuria (CSNU). Also called: Cystinuria, non-type I; CYSTINURIA, TYPE I; CYSTINURIA, TYPE II; CYSTINURIA, TYPE III. Identifiers: Orphanet 214, MedGen C0010691, MONDO:0009067, OMIM 220100, HP:0003131.

Allele frequency attached by ClinVar (database versions not stated): ExAC 0.00002; TOPMed 0.00006; gnomAD exomes 0.00003 and 0.00002; gnomAD 0.00003.

Submissions (2):

Dasa
Classification: Uncertain significance. Last evaluated: 2024-10-03. Review status: criteria provided, single submitter. Criteria: DASA Assertion Criteria. Collection method: clinical testing. Allele origin: germline.
Comment: NM_000341.4(SLC3A1):c.769A>G (p.Ser257Gly) is a missense variant that results in the substitution of serine with glycine. This variant is rare in population databases. Computational prediction algorithms are consistent with a deleterious effect. The currently available literature and clinical evidence are not sufficient to establish a definitive association between this variant and the reported condition. Therefore, this variant is classified as a variant of uncertain significance.

Illumina Laboratory Services, Illumina
Classification: Uncertain significance for Cystinuria. Last evaluated: 2018-01-12. Review status: criteria provided, single submitter. Criteria: ICSL Variant Classification Criteria 13 December 2019. Collection method: clinical testing. Allele origin: germline.

NM_000341.4(SLC3A1):c.769A>G (p.Ser257Gly)

Gene: SLC3A1 (solute carrier family 3 member 1; plus strand). Cytogenetic location: 2p21.
Variant type: single nucleotide variant.
Coding change: c.769A>G on transcript NM_000341.4 (MANE Select); coding-DNA position 769, A replaced by G.
Protein change: p.Ser257Gly; replaces serine 257 with glycine.
Molecular consequence: missense variant.
Genome position (GRCh38, 1-based): chr2:44,286,035, A>G. VCF-style: chr2-44286035-A-G. GRCh37 (hg19) VCF-style: chr2-44513174-A-G.
Other names: short protein forms S257G.
Identifiers: ClinVar variation 897071 (VCV000897071.6), dbSNP rs746309755, ClinGen allele CA1640268.
Genomic context (GRCh38, chr2:44,286,035, plus strand): 5'-TTATTTGTGGGCAATACCATTATAGGTCACTGATGTGCTGTTTTCTTTGTTTGCCAGTTA[A>G]GTGTGTATGGAAACTCCAGTTGGCACTTTGACGAAGTGCGAAACCAATGTTATTTTCATC-3'
Protein context (NP_000332.2, residues 247-267): GKTIPPNNWL[Ser257Gly]VYGNSSWHFD